The following is an entry in ClinVar:

NM_000233.4(LHCGR):c.398C>G (p.Thr133Arg)

Genes: LHCGR (luteinizing hormone/choriogonadotropin receptor; minus strand), STON1-GTF2A1L (STON1-GTF2A1L readthrough; plus strand). Cytogenetic location: 2p16.3.
Variant type: single nucleotide variant.
Coding change: c.398C>G on transcript NM_000233.4 (MANE Select); coding-DNA position 398, C replaced by G.
Protein change: p.Thr133Arg; replaces threonine 133 with arginine.
Molecular consequence: missense variant. On other transcripts: intron variant (1).
Genome position (GRCh38, 1-based): chr2:48,723,682, G>C on the plus strand (C>G on the coding strand, the complement: LHCGR is on the minus strand). VCF-style: chr2-48723682-G-C. GRCh37 (hg19) VCF-style: chr2-48950821-G-C.
Other names: c.3441+52002G>C (NM_001198593.2); short protein forms T133R.
Identifiers: ClinVar variation 4531864 (VCV004531864.2).

ClinVar aggregate classification (germline): Likely pathogenic (1 of 4 stars; one submission).

Conditions:
Leydig cell agenesis. Also called: LEYDIG CELL HYPOPLASIA WITH MALE PSEUDOHERMAPHRODITISM; LEYDIG CELL HYPOPLASIA, COMPLETE; HYPERGONADOTROPIC HYPOGONADISM, MALE, DUE TO LHCGR DEFECT; Leydig cell hypoplasia, type 1. Identifiers: MedGen C0266432, MONDO:0009384, OMIM 238320.

Submission:

Victorian Clinical Genetics Services, Murdoch Childrens Research Institute
Classification: Likely pathogenic for Leydig cell agenesis. Last evaluated: 2026-04-07. Review status: criteria provided, single submitter. Criteria: ACMG Guidelines, 2015. Collection method: clinical testing. Allele origin: germline. Affected: yes.
Comment: This variant is classified as Likely pathogenic. Evidence in support of pathogenic classification: Variant is absent from gnomAD (v2, v3 and v4); Missense variant predicted to be damaging by in silico tool(s) or highly conserved with a major amino acid change. Additional information: Variant is predicted to result in a missense amino acid change from Thr to Arg; This variant is heterozygous; This gene is associated with both recessive and dominant disease. Variants associated with the autosomal dominant condition are mostly located within the sixth transmembrane domain and C-terminal region of the third intracellular loop (PMID: 11041448); This variant has no previous evidence of pathogenicity; No published evidence of segregation with disease has been identified for this variant; No published functional evidence has been identified for this variant; No comparable missense variants have previous evidence for pathogenicity; Variant is located in the annotated BspA type Leucine rich repeat region (DECIPHER); Loss of function and gain of function are known mechanisms of disease in this gene and are associated with Leydig cell hypoplasia, type I (MONDO:0009384) and precocious puberty, male-limited (MIM#176410), respectively (PMID: 11041448); Heterozygous variant detected in trans with a second LIKELY PATHOGENIC heterozygous variant (NM_000233.4(LHCGR):c.1493C>T; p.(Ala498Val)) in a recessive disease.

Literature cited by the submitters: PubMed 11041448.